The following is an entry in ClinVar:

NM_021956.5(GRIK2):c.1045C>T (p.Arg349Ter)

Gene: GRIK2 (glutamate ionotropic receptor kainate type subunit 2; plus strand). Cytogenetic location: 6q16.3.
Variant type: single nucleotide variant.
Coding change: c.1045C>T on transcript NM_021956.5 (MANE Select); coding-DNA position 1045, C replaced by T.
Protein change: p.Arg349Ter; replaces arginine 349 with a stop codon.
Molecular consequence: nonsense.
Genome position (GRCh38, 1-based): chr6:101,799,741, C>T. VCF-style: chr6-101799741-C-T. GRCh37 (hg19) VCF-style: chr6-102247616-C-T.
Other names: c.1045C>T, p.Arg349Ter (NM_001166247.1, NM_175768.3); short protein forms R349*.
Identifiers: ClinVar variation 4976678 (VCV004976678.1).

ClinVar aggregate classification (germline): Likely pathogenic (1 of 4 stars; one submission).

Submission:

GeneDx
Classification: Likely pathogenic. Last evaluated: 2026-03-17. Review status: criteria provided, single submitter. Criteria: GeneDx Variant Classification Process June 2021. Collection method: clinical testing. Allele origin: germline.
Comment: Nonsense variant predicted to result in protein truncation or nonsense mediated decay in a gene for which loss of function is a known mechanism of disease; Not observed at significant frequency in large population cohorts (gnomAD); Has not been previously published as pathogenic or benign to our knowledge